The following is an entry in ClinVar:

NM_001378454.1(ALMS1):c.1313A>C (p.Glu438Ala)

Gene: ALMS1 (ALMS1 centrosome and basal body associated protein; plus strand). Cytogenetic location: 2p13.1.
Variant type: single nucleotide variant.
Coding change: c.1313A>C on transcript NM_001378454.1 (MANE Select); coding-DNA position 1313, A replaced by C.
Protein change: p.Glu438Ala; replaces glutamic acid 438 with alanine.
Molecular consequence: missense variant.
Genome position (GRCh38, 1-based): chr2:73,426,528, A>C. VCF-style: chr2-73426528-A-C. GRCh37 (hg19) VCF-style: chr2-73653656-A-C.
Other names: c.1316A>C, p.Glu439Ala (NM_015120.4); short protein forms E438A, E439A.
Identifiers: ClinVar variation 1485165 (VCV001485165.6), dbSNP rs753799992, ClinGen allele CA347261970.

ClinVar aggregate classification (germline): Uncertain significance (1 of 4 stars; one submission).

Conditions:
Alstrom syndrome (ALMS). Identifiers: Orphanet 64, MedGen C0268425, MONDO:0008763, OMIM 203800.

Submission:

Labcorp Genetics (formerly Invitae), Labcorp
Classification: Uncertain significance for Alstrom syndrome. Last evaluated: 2023-08-30. Review status: criteria provided, single submitter. Criteria: Invitae Variant Classification Sherloc (09022015). Collection method: clinical testing. Allele origin: germline.
Comment: In summary, the available evidence is currently insufficient to determine the role of this variant in disease. Therefore, it has been classified as a Variant of Uncertain Significance. This sequence change replaces glutamic acid, which is acidic and polar, with alanine, which is neutral and non-polar, at codon 439 of the ALMS1 protein (p.Glu439Ala). This variant is not present in population databases (gnomAD no frequency). This variant has not been reported in the literature in individuals affected with ALMS1-related conditions. ClinVar contains an entry for this variant (Variation ID: 1485165). Experimental studies and prediction algorithms are not available or were not evaluated, and the functional significance of this variant is currently unknown.